The following is an entry in ClinVar:

ClinVar aggregate classification (germline): Uncertain significance. Review status: criteria provided, multiple submitters, no conflicts (2 of 4 stars). 2 submissions from 2 submitters: Uncertain significance (2). Last evaluated 2022-08-31.

Conditions:
Duchenne muscular dystrophy (DMD). Also called: MUSCULAR DYSTROPHY, PSEUDOHYPERTROPHIC PROGRESSIVE, DUCHENNE TYPE; Duchenne Muscular Dystrophy (DMD). Identifiers: Orphanet 98896, MedGen C0013264, MONDO:0010679, OMIM 310200.

Submissions (2):

Labcorp Genetics (formerly Invitae), Labcorp
Classification: Uncertain significance for Duchenne muscular dystrophy. Last evaluated: 2022-08-31. Review status: criteria provided, single submitter. Criteria: Invitae Variant Classification Sherloc (09022015). Collection method: clinical testing. Allele origin: germline.
Comment: In summary, the available evidence is currently insufficient to determine the role of this variant in disease. Therefore, it has been classified as a Variant of Uncertain Significance. Algorithms developed to predict the effect of missense changes on protein structure and function are either unavailable or do not agree on the potential impact of this missense change (SIFT: "Deleterious"; PolyPhen-2: "Benign"; Align-GVGD: "Class C0"). ClinVar contains an entry for this variant (Variation ID: 1409420). This variant has not been reported in the literature in individuals affected with DMD-related conditions. This variant is not present in population databases (gnomAD no frequency). This sequence change replaces serine, which is neutral and polar, with threonine, which is neutral and polar, at codon 1953 of the DMD protein (p.Ser1953Thr).

Revvity Omics, Revvity
Classification: Uncertain significance. Last evaluated: 2022-03-25. Review status: criteria provided, single submitter. Criteria: ACMG Guidelines, 2015. Collection method: clinical testing. Allele origin: germline.

NM_004006.3(DMD):c.5858G>C (p.Ser1953Thr)

Gene: DMD (dystrophin; minus strand). Cytogenetic location: Xp21.1.
Variant type: single nucleotide variant.
Coding change: c.5858G>C on transcript NM_004006.3 (MANE Select); coding-DNA position 5858, G replaced by C.
Protein change: p.Ser1953Thr; replaces serine 1953 with threonine.
Molecular consequence: missense variant.
Genome position (GRCh38, 1-based): chrX:32,342,164, C>G on the plus strand (G>C on the coding strand, the complement: DMD is on the minus strand). VCF-style: chrX-32342164-C-G. GRCh37 (hg19) VCF-style: chrX-32360281-C-G.
Other names: c.5834G>C, p.Ser1945Thr (NM_000109.4); c.5846G>C, p.Ser1949Thr (NM_004009.3); c.5489G>C, p.Ser1830Thr (NM_004010.3); c.1835G>C, p.Ser612Thr (NM_004011.4); c.1826G>C, p.Ser609Thr (NM_004012.4); c.5858G>C (NM_004006.2); short protein forms S609T, S1830T, S1949T, S1945T, S1953T, S612T.
Identifiers: ClinVar variation 1409420 (VCV001409420.8), dbSNP rs1430944728, ClinGen allele CA412664916.
Genomic context (GRCh38, chrX:32,342,164, plus strand): 5'-TGTGCAAAGTTGAGTCTTCGAAACTGAGCAAATTTGCTCTCAATTTCCCGCCAGCGCTTG[C>G]TGAGCTGGATCTGAGTTGGCTCCACTGCCATTGCGGCCCCATCCTCAGACAAGCCCTCAG-3'
Protein context (NP_003997.2, residues 1943-1963): MAVEPTQIQL[Ser1953Thr]KRWREIESKF